The following is an entry in ClinVar:

NM_001378902.1(ROS1):c.4126+3A>G

Gene: ROS1 (ROS proto-oncogene 1, receptor tyrosine kinase; minus strand). Cytogenetic location: 6q22.1.
Variant type: single nucleotide variant.
Coding change: c.4126+3A>G on transcript NM_001378902.1 (MANE Select); 3 bases into the intron after coding-DNA position 4126, A replaced by G.
Molecular consequence: intron variant.
Genome position (GRCh38, 1-based): chr6:117,356,626, T>C on the plus strand (A>G on the coding strand, the complement: ROS1 is on the minus strand). VCF-style: chr6-117356626-T-C. GRCh37 (hg19) VCF-style: chr6-117677789-T-C.
Other names: c.4141+3A>G (NM_002944.3); c.4129+3A>G (NM_001378891.1).
Identifiers: ClinVar variation 708375 (VCV000708375.27), dbSNP rs181940078, ClinGen allele CA3974786.

ClinVar aggregate classification (germline): Likely benign. Review status: criteria provided, multiple submitters, no conflicts (2 of 4 stars). 2 submissions from 2 submitters: Likely benign (2). Last evaluated 2022-11-01.

Allele frequency attached by ClinVar (database versions not stated): 1000 Genomes Project 0.00060; 1000 Genomes Project 30x 0.00078; TOPMed 0.00101; ESP Exome Variant Server 0.00115; ExAC 0.00123; gnomAD exomes 0.00132 and 0.00143; gnomAD 0.00135 and 0.00140.
gnomAD v4.1: 2,261 of 1,607,586 alleles (0.14%); highest among the groups gnomAD compares: Non-Finnish European, 0.15%; 6 homozygotes.

Submissions (2):

CeGaT Center for Human Genetics Tuebingen
Classification: Likely benign. Last evaluated: 2022-11-01. Review status: criteria provided, single submitter. Criteria: CeGaT Center For Human Genetics Tuebingen Variant Classification Criteria Version 2. Collection method: clinical testing. Allele origin: germline. Affected: yes. Observed: 1 variant allele.
Comment: ROS1: BP4

Labcorp Genetics (formerly Invitae), Labcorp
Classification: Likely benign. Last evaluated: 2018-08-02. Review status: criteria provided, single submitter. Criteria: Invitae Variant Classification Sherloc (09022015). Collection method: clinical testing. Allele origin: germline.